The following is an entry in ClinVar:

NM_000156.6(GAMT):c.583C>G (p.Pro195Ala)

Gene: GAMT (guanidinoacetate N-methyltransferase; minus strand). Cytogenetic location: 19p13.3.
Variant type: single nucleotide variant.
Coding change: c.583C>G on transcript NM_000156.6 (MANE Select); coding-DNA position 583, C replaced by G.
Protein change: p.Pro195Ala; replaces proline 195 with alanine.
Molecular consequence: missense variant.
Genome position (GRCh38, 1-based): chr19:1,397,487, G>C on the plus strand (C>G on the coding strand, the complement: GAMT is on the minus strand). VCF-style: chr19-1397487-G-C. GRCh37 (hg19) VCF-style: chr19-1397486-G-C.
Other names: short protein forms P195A.
Identifiers: ClinVar variation 656846 (VCV000656846.7), dbSNP rs1285848023, ClinGen allele CA402991016.

ClinVar aggregate classification (germline): Uncertain significance. Review status: criteria provided, single submitter (1 of 4 stars). 2 submissions from 2 submitters: Uncertain significance (1). 1 of the submissions does not count toward it. Last evaluated 2021-09-01.

Conditions:
Cerebral creatine deficiency syndrome. Also called: Creatine deficiency syndromes. Identifiers: Orphanet 79172, MedGen C5244016, MONDO:0000456.
Deficiency of guanidinoacetate methyltransferase (CCDS2). Also called: GAMT DEFICIENCY; CEREBRAL CREATINE DEFICIENCY SYNDROME 2; Guanidinoacetate Methyltransferase (GAMT) Deficiency. Identifiers: Orphanet 382, MedGen C0574080, MONDO:0012999, OMIM 612736.

Allele frequency attached by ClinVar (database versions not stated): gnomAD 0.00001; gnomAD exomes below 0.00001.

Submissions (2):

Labcorp Genetics (formerly Invitae), Labcorp
Classification: Uncertain significance for Cerebral creatine deficiency syndrome. Last evaluated: 2021-09-01. Review status: criteria provided, single submitter. Criteria: Invitae Variant Classification Sherloc (09022015). Collection method: clinical testing. Allele origin: germline.
Comment: This sequence change replaces proline with alanine at codon 195 of the GAMT protein (p.Pro195Ala). The proline residue is moderately conserved and there is a small physicochemical difference between proline and alanine. This variant is not present in population databases (ExAC no frequency). This variant has not been reported in the literature in individuals affected with GAMT-related conditions. Algorithms developed to predict the effect of missense changes on protein structure and function (SIFT, PolyPhen-2, Align-GVGD) all suggest that this variant is likely to be tolerated. In summary, the available evidence is currently insufficient to determine the role of this variant in disease. Therefore, it has been classified as a Variant of Uncertain Significance.

Natera, Inc.
Classification: Uncertain significance for Guanidinoacetate methyltransferase deficiency. Last evaluated: 2020-09-16. Review status: no assertion criteria provided. Collection method: clinical testing. Allele origin: germline. Not counted in ClinVar's aggregate classification.